The following is an entry in ClinVar:

ClinVar aggregate classification (germline): Uncertain significance (1 of 4 stars; one submission).

Conditions:
Microcephaly, epilepsy, and diabetes syndrome. Identifiers: Orphanet 306558, MedGen C3280240, MONDO:0100328.

Allele frequency attached by ClinVar (database versions not stated): gnomAD exomes below 0.00001 and 0.00001; gnomAD 0.00001; TOPMed 0.00002.
gnomAD v4.1: 5 of 1,568,612 alleles (0.00032%); highest among the groups gnomAD compares: East Asian, 0.0045%; no homozygotes.

Submission:

Labcorp Genetics (formerly Invitae), Labcorp
Classification: Uncertain significance for Microcephaly, epilepsy, and diabetes syndrome. Last evaluated: 2024-05-22. Review status: criteria provided, single submitter. Criteria: Invitae Variant Classification Sherloc (09022015). Collection method: clinical testing. Allele origin: germline.
Comment: This sequence change replaces isoleucine, which is neutral and non-polar, with valine, which is neutral and non-polar, at codon 73 of the IER3IP1 protein (p.Ile73Val). This variant is present in population databases (no rsID available, gnomAD 0.01%). This variant has not been reported in the literature in individuals affected with IER3IP1-related conditions. ClinVar contains an entry for this variant (Variation ID: 581459). Algorithms developed to predict the effect of missense changes on protein structure and function output the following: SIFT: "Not Available"; PolyPhen-2: "Benign"; Align-GVGD: "Not Available". The valine amino acid residue is found in multiple mammalian species, which suggests that this missense change does not adversely affect protein function. In summary, the available evidence is currently insufficient to determine the role of this variant in disease. Therefore, it has been classified as a Variant of Uncertain Significance.

NM_016097.5(IER3IP1):c.217A>G (p.Ile73Val)

Gene: IER3IP1 (immediate early response 3 interacting protein 1; minus strand). Cytogenetic location: 18q21.1.
Variant type: single nucleotide variant.
Coding change: c.217A>G on transcript NM_016097.5 (MANE Select); coding-DNA position 217, A replaced by G.
Protein change: p.Ile73Val; replaces isoleucine 73 with valine.
Molecular consequence: missense variant.
Genome position (GRCh38, 1-based): chr18:47,156,209, T>C on the plus strand (A>G on the coding strand, the complement: IER3IP1 is on the minus strand). VCF-style: chr18-47156209-T-C. GRCh37 (hg19) VCF-style: chr18-44682580-T-C.
Other names: short protein forms I73V.
Identifiers: ClinVar variation 581459 (VCV000581459.8), dbSNP rs923756205, ClinGen allele CA300177290.